The following is an entry in ClinVar:

NM_001395413.1(POR):c.1103_1109del (p.Arg368fs)

Gene: POR (cytochrome p450 oxidoreductase; plus strand). Cytogenetic location: 7q11.23.
Variant type: Deletion.
Coding change: c.1103_1109del on transcript NM_001395413.1 (MANE Select); coding-DNA positions 1103 to 1109, 7 bases deleted (GCACGGC; older notation c.1103_1109delGCACGGC).
Protein change: p.Arg368fs; shifts the reading frame from arginine 368.
Molecular consequence: frameshift variant.
Genome position (GRCh38, 1-based): chr7:75,984,822-75,984,828, GCACGGC deleted; deleting any 7 consecutive bases within chr7:75,984,821-75,984,828 gives the same sequence; the c. name uses the placement nearest the transcript's 3' end. VCF-style (leftmost placement, unchanged base first): chr7-75984820-CCGCACGG-C. GRCh37 (hg19) VCF-style: chr7-75614138-CCGCACGG-C.
Other names: c.1112_1118delGCACGGC, p.Arg371Profs (NM_000941.2, NM_000941.3); c.1103_1109del, p.Arg368fs (NM_001367562.3, NM_001382657.2, NM_001382658.3 and 2 more transcripts); c.1157_1163del, p.Arg386fs (NM_001382655.3); short protein forms R368fs, R386fs.
Identifiers: ClinVar variation 2789815 (VCV002789815.4), dbSNP rs2535400917, ClinGen allele CA2683381825.

ClinVar aggregate classification (germline): Pathogenic/Likely pathogenic. Review status: criteria provided, multiple submitters, no conflicts (2 of 4 stars). 2 submissions from 2 submitters: Pathogenic (1); Likely pathogenic (1). Last evaluated 2026-08-06.

Conditions:
Antley-Bixler syndrome with genital anomalies and disordered steroidogenesis (ABS1). Also called: POR Deficiency. Identifiers: Orphanet 63269, MedGen C3150099, MONDO:0008726, OMIM 201750.
Congenital adrenal hyperplasia due to cytochrome P450 oxidoreductase deficiency. Also called: DISORDERED STEROIDOGENESIS DUE TO POR DEFICIENCY. Identifiers: Orphanet 95699, MedGen C1860042, MONDO:0013310, OMIM 613571.

Submissions (2):

OLLIN Analises Genomicas, OLLIN
Classification: Likely pathogenic for Antley-Bixler syndrome with genital anomalies and disordered steroidogenesis. Last evaluated: 2026-08-06. Review status: criteria provided, single submitter. Criteria: ACMG Guidelines 2015 PMID 25741868. Collection method: clinical testing. Allele origin: germline. Inheritance: Autosomal recessive inheritance.
Comment: This frameshift variant, located in exon 11 (of 16), has been reported in ClinVar (accession VCV002789815.3) and in gnomAD with an allele frequency of 0.000062%. However, to our knowledge, it has not been reported in the scientific literature. This variant causes a frameshift and introduces a premature stop codon, which is predicted to result in either a truncated protein or degradation of the mRNA via nonsense-mediated decay (NMD). According to the currently available evidence, this variant has been classified as likely pathogenic (PVS1, PM2_P).

Labcorp Genetics (formerly Invitae), Labcorp
Classification: Pathogenic for Congenital adrenal hyperplasia due to cytochrome P450 oxidoreductase deficiency. Last evaluated: 2023-03-27. Review status: criteria provided, single submitter. Criteria: Invitae Variant Classification Sherloc (09022015). Collection method: clinical testing. Allele origin: germline.
Comment: For these reasons, this variant has been classified as Pathogenic. This variant has not been reported in the literature in individuals affected with POR-related conditions. This variant is not present in population databases (gnomAD no frequency). This sequence change creates a premature translational stop signal (p.Arg371Profs*48) in the POR gene. It is expected to result in an absent or disrupted protein product. Loss-of-function variants in POR are known to be pathogenic (PMID: 14758361, 20732302, 21741353).

Literature cited by the submitters: PubMed 14758361 (cited by Labcorp Genetics (formerly Invitae), Labcorp); PubMed 20732302 (cited by Labcorp Genetics (formerly Invitae), Labcorp); PubMed 21741353 (cited by Labcorp Genetics (formerly Invitae), Labcorp).